The following is an entry in ClinVar:

ClinVar aggregate classification (germline): Uncertain significance (1 of 4 stars; one submission).

Conditions:
Aspartylglucosaminuria (AGU). Also called: GLYCOASPARAGINASE; GLYCOSYLASPARAGINASE DEFICIENCY; AGA DEFICIENCY; Aspartylglucos-aminuria; Aspartylglucos-amidase (AGA) deficiency. Identifiers: Orphanet 93, MedGen C0268225, MONDO:0008830, OMIM 208400, HP:0012068.

Allele frequency attached by ClinVar (database versions not stated): TOPMed below 0.00001; gnomAD exomes 0.00001; ExAC 0.00002.

Submission:

Labcorp Genetics (formerly Invitae), Labcorp
Classification: Uncertain significance for Aspartylglucosaminuria. Last evaluated: 2021-10-14. Review status: criteria provided, single submitter. Criteria: Invitae Variant Classification Sherloc (09022015). Collection method: clinical testing. Allele origin: germline.
Comment: This sequence change replaces histidine with tyrosine at codon 217 of the AGA protein (p.His217Tyr). The histidine residue is weakly conserved and there is a moderate physicochemical difference between histidine and tyrosine. This variant is present in population databases (rs763070208, ExAC 0.01%). This variant has not been reported in the literature in individuals affected with AGA-related conditions. Algorithms developed to predict the effect of missense changes on protein structure and function output the following: SIFT: "Tolerated"; PolyPhen-2: "Benign"; Align-GVGD: "Class C0". The tyrosine amino acid residue is found in multiple mammalian species, which suggests that this missense change does not adversely affect protein function. In summary, the available evidence is currently insufficient to determine the role of this variant in disease. Therefore, it has been classified as a Variant of Uncertain Significance.

NM_000027.4(AGA):c.649C>T (p.His217Tyr)

Gene: AGA (aspartylglucosaminidase; minus strand). Cytogenetic location: 4q34.3.
Variant type: single nucleotide variant.
Coding change: c.649C>T on transcript NM_000027.4 (MANE Select); coding-DNA position 649, C replaced by T.
Protein change: p.His217Tyr; replaces histidine 217 with tyrosine.
Molecular consequence: missense variant.
Genome position (GRCh38, 1-based): chr4:177,436,325, G>A on the plus strand (C>T on the coding strand, the complement: AGA is on the minus strand). VCF-style: chr4-177436325-G-A. GRCh37 (hg19) VCF-style: chr4-178357479-G-A.
Other names: c.649C>T, p.His217Tyr (NM_001171988.2); short protein forms H217Y.
Identifiers: ClinVar variation 1484571 (VCV001484571.5), dbSNP rs763070208, ClinGen allele CA3146853.